The following is an entry in ClinVar:

NM_018055.5(NODAL):c.272C>A (p.Ala91Asp)

Gene: NODAL (nodal growth differentiation factor; minus strand). Cytogenetic location: 10q22.1.
Variant type: single nucleotide variant.
Coding change: c.272C>A on transcript NM_018055.5 (MANE Select); coding-DNA position 272, C replaced by A.
Protein change: p.Ala91Asp; replaces alanine 91 with aspartic acid.
Molecular consequence: missense variant. On other transcripts: 5 prime UTR variant (1).
Genome position (GRCh38, 1-based): chr10:70,435,905, G>T on the plus strand (C>A on the coding strand, the complement: NODAL is on the minus strand). VCF-style: chr10-70435905-G-T. GRCh37 (hg19) VCF-style: chr10-72195661-G-T.
Other names: c.-128C>A (NM_001329906.2); short protein forms A91D.
Identifiers: ClinVar variation 2754630 (VCV002754630.3), dbSNP rs2493087235, ClinGen allele CA376946666.

ClinVar aggregate classification (germline): Uncertain significance (1 of 4 stars; one submission).

Conditions:
Heterotaxy, visceral, 5, autosomal (HTX5). Also called: Heterotaxy, visceral, 5. Identifiers: Orphanet 450, MedGen C3495537, MONDO:0700112, OMIM 270100.

Submission:

Labcorp Genetics (formerly Invitae), Labcorp
Classification: Uncertain significance for Heterotaxy, visceral, 5, autosomal. Last evaluated: 2023-08-23. Review status: criteria provided, single submitter. Criteria: Invitae Variant Classification Sherloc (09022015). Collection method: clinical testing. Allele origin: germline.
Comment: In summary, the available evidence is currently insufficient to determine the role of this variant in disease. Therefore, it has been classified as a Variant of Uncertain Significance. Advanced modeling of protein sequence and biophysical properties (such as structural, functional, and spatial information, amino acid conservation, physicochemical variation, residue mobility, and thermodynamic stability) performed at Invitae indicates that this missense variant is expected to disrupt NODAL protein function. This variant has not been reported in the literature in individuals affected with NODAL-related conditions. This variant is not present in population databases (gnomAD no frequency). This sequence change replaces alanine, which is neutral and non-polar, with aspartic acid, which is acidic and polar, at codon 91 of the NODAL protein (p.Ala91Asp).